The following is an entry in ClinVar:

ClinVar aggregate classification (germline): Conflicting classifications of pathogenicity. Review status: criteria provided, conflicting classifications (1 of 4 stars). 3 submissions from 3 submitters: Uncertain significance (2); Likely benign (1). Last evaluated 2025-11-27.

Conditions:
Hereditary pancreatitis (PCTT). Also called: Hereditary chronic pancreatitis; PRSS1-Related Hereditary Pancreatitis. Identifiers: Orphanet 676, MedGen C0238339, MONDO:0008185, OMIM 167800.

Allele frequency attached by ClinVar (database versions not stated): gnomAD 0.00001; TOPMed 0.00005; ExAC 0.00007; gnomAD exomes 0.00012.

Submissions (3):

Ambry Genetics
Classification: Uncertain significance for Hereditary pancreatitis. Last evaluated: 2025-11-27. Review status: criteria provided, single submitter. Criteria: Ambry Variant Classification Scheme 2023. Collection method: clinical testing. Allele origin: germline.
Comment: The p.T199S variant (also known as c.595A>T), located in coding exon 6 of the CTRC gene, results from an A to T substitution at nucleotide position 595. The threonine at codon 199 is replaced by serine, an amino acid with similar properties. This amino acid position is not well conserved in available vertebrate species. In addition, this alteration is predicted to be tolerated by in silico analysis. Since supporting evidence is limited at this time, the clinical significance of this alteration remains unclear.

Labcorp Genetics (formerly Invitae), Labcorp
Classification: Likely benign for Hereditary pancreatitis. Last evaluated: 2025-01-30. Review status: criteria provided, single submitter. Criteria: Invitae Variant Classification Sherloc (09022015). Collection method: clinical testing. Allele origin: germline.

ARUP Laboratories, Molecular Genetics and Genomics, ARUP Laboratories
Classification: Uncertain significance for Hereditary pancreatitis. Last evaluated: 2020-07-30. Review status: criteria provided, single submitter. Criteria: ARUP Molecular Germline Variant Investigation Process. Collection method: clinical testing. Allele origin: germline.
Comment: The CTRC c.595A>T; p.Thr199Ser variant (rs751977111), to our knowledge, is not reported in the medical literature but is reported in ClinVar (Variation ID: 826079). This variant is found in the Latino population with an allele frequency of 0.087% (31/35434 alleles) in the Genome Aggregation Database. The threonine at codon 199 is moderately conserved, and computational analyses (SIFT, PolyPhen-2) predict that this variant is tolerated. Due to limited information, the clinical significance of the p.Thr199Ser variant is uncertain at this time.

NM_007272.3(CTRC):c.595A>T (p.Thr199Ser)

Gene: CTRC (chymotrypsin C; plus strand). Cytogenetic location: 1p36.21.
Variant type: single nucleotide variant.
Coding change: c.595A>T on transcript NM_007272.3 (MANE Select); coding-DNA position 595, A replaced by T.
Protein change: p.Thr199Ser; replaces threonine 199 with serine.
Molecular consequence: missense variant.
Genome position (GRCh38, 1-based): chr1:15,444,707, A>T. VCF-style: chr1-15444707-A-T. GRCh37 (hg19) VCF-style: chr1-15771202-A-T.
Other names: short protein forms T199S.
Identifiers: ClinVar variation 826079 (VCV000826079.59), dbSNP rs751977111, ClinGen allele CA613391.